The following is an entry in ClinVar:

NM_004211.5(SLC6A5):c.103A>G (p.Ser35Gly)

Gene: SLC6A5 (solute carrier family 6 member 5; plus strand). Cytogenetic location: 11p15.1.
Variant type: single nucleotide variant.
Coding change: c.103A>G on transcript NM_004211.5 (MANE Select); coding-DNA position 103, A replaced by G.
Protein change: p.Ser35Gly; replaces serine 35 with glycine.
Molecular consequence: missense variant. On other transcripts: 5 prime UTR variant (1).
Genome position (GRCh38, 1-based): chr11:20,601,228, A>G. VCF-style: chr11-20601228-A-G. GRCh37 (hg19) VCF-style: chr11-20622774-A-G.
Other names: c.103A>G (NM_004211.3); c.-461A>G (NM_001318369.2); short protein forms S35G.
Identifiers: ClinVar variation 1980307 (VCV001980307.5), dbSNP rs765635368, ClinGen allele CA5920998.
Genomic context (GRCh38, chr11:20,601,228, plus strand): 5'-AACAGCCCGGAGGCGGCGGCGGCGCAGGGCCACCCGGATGGCCCATGCGCTCCCAGGACG[A>G]GCCCGGAGCAGGAGCTTCCCGCGGCTGCCGCCCCGCCGCCGCCACGTGTGCCCAGGTCCG-3'
Protein context (NP_004202.4, residues 25-45): HPDGPCAPRT[Ser35Gly]PEQELPAAAA

ClinVar aggregate classification (germline): Uncertain significance. Review status: criteria provided, multiple submitters, no conflicts (2 of 4 stars). 2 submissions from 2 submitters: Uncertain significance (2). Last evaluated 2026-05-14.

Conditions:
Inborn genetic diseases. Identifiers: MedGen C0950123, MeSH D030342.
Hyperekplexia 3 (HKPX3). Also called: HYPEREKPLEXIA 3, AUTOSOMAL RECESSIVE; HYPEREKPLEXIA 3, AUTOSOMAL DOMINANT. Identifiers: Orphanet 3197, MedGen C3553288, MONDO:0013827, OMIM 614618.

Allele frequency attached by ClinVar (database versions not stated): ExAC 0.00007; TOPMed 0.00001; gnomAD exomes 0.00001.
gnomAD v4.1: 9 of 1,582,504 alleles (0.00057%); highest among the groups gnomAD compares: Admixed American, 0.01%; no homozygotes.

Submissions (2):

Ambry Genetics
Classification: Uncertain significance for Inborn genetic diseases. Last evaluated: 2026-05-14. Review status: criteria provided, single submitter. Criteria: Ambry Variant Classification Scheme 2023. Collection method: clinical testing. Allele origin: germline.

Labcorp Genetics (formerly Invitae), Labcorp
Classification: Uncertain significance for Hyperekplexia 3. Last evaluated: 2022-10-03. Review status: criteria provided, single submitter. Criteria: Invitae Variant Classification Sherloc (09022015). Collection method: clinical testing. Allele origin: germline.
Comment: Advanced modeling of protein sequence and biophysical properties (such as structural, functional, and spatial information, amino acid conservation, physicochemical variation, residue mobility, and thermodynamic stability) performed at Invitae indicates that this missense variant is not expected to disrupt SLC6A5 protein function. In summary, the available evidence is currently insufficient to determine the role of this variant in disease. Therefore, it has been classified as a Variant of Uncertain Significance. This variant has not been reported in the literature in individuals affected with SLC6A5-related conditions. This variant is present in population databases (rs765635368, gnomAD 0.01%). This sequence change replaces serine, which is neutral and polar, with glycine, which is neutral and non-polar, at codon 35 of the SLC6A5 protein (p.Ser35Gly).